The following is an entry in ClinVar:

NM_025137.4(SPG11):c.5753C>A (p.Ala1918Asp)

Gene: SPG11 (SPG11 vesicle trafficking associated, spatacsin; minus strand). Cytogenetic location: 15q21.1.
Variant type: single nucleotide variant.
Coding change: c.5753C>A on transcript NM_025137.4 (MANE Select); coding-DNA position 5753, C replaced by A.
Protein change: p.Ala1918Asp; replaces alanine 1918 with aspartic acid.
Molecular consequence: missense variant.
Genome position (GRCh38, 1-based): chr15:44,583,927, G>T on the plus strand (C>A on the coding strand, the complement: SPG11 is on the minus strand). VCF-style: chr15-44583927-G-T. GRCh37 (hg19) VCF-style: chr15-44876125-G-T.
Other names: p.Ala1918Asp; c.5753C>A, p.Ala1918Asp (NM_001160227.2); short protein forms A1918D.
Identifiers: ClinVar variation 406507 (VCV000406507.38), dbSNP rs368992436, ClinGen allele CA7534357.

ClinVar aggregate classification (germline): Uncertain significance. Review status: criteria provided, multiple submitters, no conflicts (2 of 4 stars). 9 submissions from 7 submitters: Uncertain significance (9). Last evaluated 2024-06-24.

Conditions:
Inborn genetic diseases. Identifiers: MedGen C0950123, MeSH D030342.
Charcot-Marie-Tooth disease axonal type 2X. Also called: CHARCOT-MARIE-TOOTH DISEASE, AXONAL, AUTOSOMAL RECESSIVE, TYPE 2X; CHARCOT-MARIE-TOOTH NEUROPATHY, TYPE 2X. Identifiers: Orphanet 466775, MedGen C5569024, MONDO:0014726, OMIM 616668.
Amyotrophic lateral sclerosis type 5 (ALS5). Also called: AMYOTROPHIC LATERAL SCLEROSIS 5, JUVENILE. Identifiers: Orphanet 300605, MedGen C1865864, MONDO:0011196, OMIM 602099.
Hereditary spastic paraplegia 11. Also called: Spastic Paraplegia 11; Nakamura Osame syndrome; Autosomal recessive hereditary spastic paraplegia, mental impairment, and thin corpus callosum; Spastic paraplegia, mental retardation and thin corpus callosum; SPASTIC PARAPLEGIA, AUTOSOMAL RECESSIVE, COMPLICATED, WITH THIN CORPUS CALLOSUM; SPASTIC PARAPLEGIA, AUTOSOMAL RECESSIVE, WITH MENTAL IMPAIRMENT AND THIN CORPUS CALLOSUM. Identifiers: Orphanet 2822, MedGen C1858479, MONDO:0011445, OMIM 604360.

Allele frequency attached by ClinVar (database versions not stated): gnomAD exomes 0.00004 and 0.00010; gnomAD 0.00005 and 0.00006; TOPMed 0.00005; ExAC 0.00006; ESP Exome Variant Server 0.00008.
gnomAD v4.1: 149 of 1,614,052 alleles (0.0092%); highest among the groups gnomAD compares: Non-Finnish European, 0.012%; no homozygotes.

Submissions (9):

Mayo Clinic Laboratories, Mayo Clinic
Classification: Uncertain significance. Last evaluated: 2024-06-24. Review status: criteria provided, single submitter. Criteria: ACMG Guidelines, 2015. Collection method: clinical testing. Allele origin: germline. Observed: 3 variant alleles.
Comment: PP3_moderate, PM2_supporting

Ambry Genetics
Classification: Uncertain significance for Inborn genetic diseases. Last evaluated: 2023-04-24. Review status: criteria provided, single submitter. Criteria: Ambry Variant Classification Scheme 2023. Collection method: clinical testing. Allele origin: germline.

Blueprint Genetics
Classification: Uncertain significance. Last evaluated: 2022-10-21. Review status: criteria provided, single submitter. Criteria: ACMG Guidelines, 2015. Collection method: clinical testing. Allele origin: germline.

Labcorp Genetics (formerly Invitae), Labcorp
Classification: Uncertain significance for Hereditary spastic paraplegia 11. Last evaluated: 2022-07-29. Review status: criteria provided, single submitter. Criteria: Invitae Variant Classification Sherloc (09022015). Collection method: clinical testing. Allele origin: germline.
Comment: This sequence change replaces alanine, which is neutral and non-polar, with aspartic acid, which is acidic and polar, at codon 1918 of the SPG11 protein (p.Ala1918Asp). This variant is present in population databases (rs368992436, gnomAD 0.007%). This variant has not been reported in the literature in individuals affected with SPG11-related conditions. ClinVar contains an entry for this variant (Variation ID: 406507). Algorithms developed to predict the effect of missense changes on protein structure and function (SIFT, PolyPhen-2, Align-GVGD) all suggest that this variant is likely to be disruptive. In summary, the available evidence is currently insufficient to determine the role of this variant in disease. Therefore, it has been classified as a Variant of Uncertain Significance.

CeGaT Center for Human Genetics Tuebingen
Classification: Uncertain significance. Last evaluated: 2022-07-01. Review status: criteria provided, single submitter. Criteria: CeGaT Center For Human Genetics Tuebingen Variant Classification Criteria Version 2. Collection method: clinical testing. Allele origin: germline. Affected: yes. Observed: 1 variant allele.
Comment: SPG11: PM2

Illumina Laboratory Services, Illumina
Classification: Uncertain significance for Hereditary spastic paraplegia 11. Last evaluated: 2018-01-13. Review status: criteria provided, single submitter. Criteria: ICSL Variant Classification Criteria 13 December 2019. Collection method: clinical testing. Allele origin: germline.

Genome-Nilou Lab
Classification: Uncertain significance for Amyotrophic lateral sclerosis type 5. Review status: criteria provided, single submitter. Criteria: ACMG Guidelines, 2015. Collection method: clinical testing. Allele origin: germline.

Genome-Nilou Lab
Classification: Uncertain significance for Charcot-Marie-Tooth disease axonal type 2X. Review status: criteria provided, single submitter. Criteria: ACMG Guidelines, 2015. Collection method: clinical testing. Allele origin: germline.

Genome-Nilou Lab
Classification: Uncertain significance for Hereditary spastic paraplegia 11. Review status: criteria provided, single submitter. Criteria: ACMG Guidelines, 2015. Collection method: clinical testing. Allele origin: germline.